The following is an entry in ClinVar:

ClinVar aggregate classification (germline): Conflicting classifications of pathogenicity. Review status: criteria provided, conflicting classifications (1 of 4 stars). 6 submissions from 6 submitters: Uncertain significance (2); Likely benign (3). 1 of the submissions does not count toward it. Last evaluated 2026-03-01.

Conditions:
Ulnar-mammary syndrome (UMS). Also called: SCHINZEL SYNDROME; PALLISTER ULNAR-MAMMARY SYNDROME; Ulnar-mammary syndrome of Pallister. Identifiers: Orphanet 3138, MedGen C1866994, MONDO:0008411, OMIM 181450.
TBX3-related disorder. Also called: TBX3-related condition.

Allele frequency attached by ClinVar (database versions not stated): gnomAD exomes 0.00010; gnomAD 0.00014; TOPMed 0.00018; ExAC 0.00020.
gnomAD v4.1: 120 of 1,573,506 alleles (0.0076%); highest among the groups gnomAD compares: Non-Finnish European, 0.0076%; no homozygotes.

Submissions (6):

CeGaT Center for Human Genetics Tuebingen
Classification: Likely benign. Last evaluated: 2026-03-01. Review status: criteria provided, single submitter. Criteria: CeGaT Center For Human Genetics Tuebingen Variant Classification Criteria Version 2. Collection method: clinical testing. Allele origin: germline. Affected: yes. Observed: 1 variant allele.
Comment: TBX3: BS2

Labcorp Genetics (formerly Invitae), Labcorp
Classification: Uncertain significance for Ulnar-mammary syndrome. Last evaluated: 2026-01-07. Review status: criteria provided, single submitter. Criteria: Invitae Variant Classification Sherloc (09022015). Collection method: clinical testing. Allele origin: germline.
Comment: This sequence change replaces alanine, which is neutral and non-polar, with valine, which is neutral and non-polar, at codon 597 of the TBX3 protein (p.Ala597Val). This variant is present in population databases (rs200821102, gnomAD 0.05%). This variant has not been reported in the literature in individuals affected with TBX3-related conditions. ClinVar contains an entry for this variant (Variation ID: 307357). An algorithm developed to predict the effect of missense changes on protein structure and function (PolyPhen-2) suggests that this variant is likely to be tolerated. In summary, the available evidence is currently insufficient to determine the role of this variant in disease. Therefore, it has been classified as a Variant of Uncertain Significance.

GeneDx
Classification: Uncertain significance. Last evaluated: 2025-05-01. Review status: criteria provided, single submitter. Criteria: GeneDx Variant Classification Process June 2021. Collection method: clinical testing. Allele origin: germline. Affected: yes.
Comment: Identified as a de novo variant in a patient with bipolar disorder and an additional de novo variant in an additional gene in published literature (PMID: 34145229); In silico analysis indicates that this missense variant does not alter protein structure/function; This variant is associated with the following publications: (PMID: 34145229)

Laboratory of Genetics, Children's Clinical University Hospital Latvia
Classification: Likely benign. Last evaluated: 2025-02-16. Review status: criteria provided, single submitter. Criteria: ACMG Guidelines, 2015. Collection method: clinical testing. Allele origin: germline. Affected: yes.

Illumina Laboratory Services, Illumina
Classification: Likely benign for Ulnar-mammary syndrome. Last evaluated: 2018-01-13. Review status: criteria provided, single submitter. Criteria: ICSL Variant Classification Criteria 13 December 2019. Collection method: clinical testing. Allele origin: germline.
Comment: This variant was observed in the ICSL laboratory as part of a predisposition screen in an ostensibly healthy population. It had not been previously curated by ICSL or reported in the Human Gene Mutation Database (HGMD: prior to June 1st, 2018), and was therefore a candidate for classification through an automated scoring system. Utilizing variant allele frequency, disease prevalence and penetrance estimates, and inheritance mode, an automated score was calculated to assess if this variant is too frequent to cause the disease. Based on the score and internal cut-off values, a variant classified as likely benign is not then subjected to further curation. The score for this variant resulted in a classification of likely benign for this disease.

PreventionGenetics, part of Exact Sciences
Classification: Likely benign for TBX3-related condition. Last evaluated: 2024-02-16. Review status: no assertion criteria provided. Collection method: clinical testing. Allele origin: germline. Not counted in ClinVar's aggregate classification.
Comment: This variant is classified as likely benign based on ACMG/AMP sequence variant interpretation guidelines (Richards et al. 2015 PMID: 25741868, with internal and published modifications).

NM_005996.4(TBX3):c.1790C>T (p.Ala597Val)

Gene: TBX3 (T-box transcription factor 3; minus strand). Cytogenetic location: 12q24.21.
Variant type: single nucleotide variant.
Coding change: c.1790C>T on transcript NM_005996.4 (MANE Select); coding-DNA position 1790, C replaced by T.
Protein change: p.Ala597Val; replaces alanine 597 with valine.
Molecular consequence: missense variant.
Genome position (GRCh38, 1-based): chr12:114,672,223, G>A on the plus strand (C>T on the coding strand, the complement: TBX3 is on the minus strand). VCF-style: chr12-114672223-G-A. GRCh37 (hg19) VCF-style: chr12-115110028-G-A.
Other names: c.1850C>T, p.Ala617Val (NM_016569.4); c.1850C>T (NM_016569.3); short protein forms A617V, A597V.
Identifiers: ClinVar variation 307357 (VCV000307357.19), dbSNP rs200821102, ClinGen allele CA6809847.